The following is an entry in ClinVar:

ClinVar aggregate classification (germline): Uncertain significance (1 of 4 stars; one submission).

Conditions:
Hydrocephalus, nonsyndromic, autosomal recessive 1 (HYC1). Also called: Congenital hydrocephalus 1; Hydrocephalus, nonsyndromic, autosomal recessive. Identifiers: Orphanet 2185, MedGen C3887608, MONDO:0009360, OMIM 236600.

Submission:

Myriad Genetics, Inc.
Classification: Uncertain significance for Hydrocephalus, nonsyndromic, autosomal recessive 1. Last evaluated: 2025-09-02. Review status: criteria provided, single submitter. Criteria: Myriad Autosomal Dominant, Autosomal Recessive and X-Linked Classification Criteria (2023). Collection method: clinical testing. Allele origin: unknown.
Comment: NM_001080414.3(CCDC88C):c.2630_2668del39(A877_L889del) is an in-frame deletion classified as a variant of uncertain significance in the context of congenital hydrocephalus, CCDC88C-related. A877_L889del has not been observed in cases with relevant disease. Relevant functional assessments of this variant are not available in the literature. A877_L889del has been observed in referenced population frequency databases. In summary, there is insufficient evidence to classify NM_001080414.3(CCDC88C):c.2630_2668del39(A877_L889del) as pathogenic or benign. Please note: this variant was assessed in the context of healthy population screening.

NM_001080414.4(CCDC88C):c.2630_2668del (p.Ala877_Leu889del)

Gene: CCDC88C (coiled-coil and HOOK domain protein 88C; minus strand). Cytogenetic location: 14q32.11.
Variant type: Deletion.
Coding change: c.2630_2668del on transcript NM_001080414.4 (MANE Select); coding-DNA positions 2630 to 2668, 39 bases deleted.
Protein change: p.Ala877_Leu889del.
Molecular consequence: inframe deletion. On other transcripts: non-coding transcript variant (2).
Genome position (GRCh38, 1-based): chr14:91,313,148-91,313,186, 39 bases deleted; deleting any 39 consecutive bases within chr14:91,313,148-91,313,196 gives the same sequence; the c. name uses the placement nearest the transcript's 3' end. GRCh37 (hg19): chr14:91,779,502-91,779,540.
Identifiers: ClinVar variation 5003992 (VCV005003992.1).